The following is an entry in ClinVar:

NM_181882.3(PRX):c.80C>A (p.Thr27Asn)

Genes: PRX (periaxin; minus strand), LOC130064454 (ATAC-STARR-seq lymphoblastoid active region 14650; plus strand). Cytogenetic location: 19q13.2.
Variant type: single nucleotide variant.
Coding change: c.80C>A on transcript NM_181882.3 (MANE Select); coding-DNA position 80, C replaced by A.
Protein change: p.Thr27Asn; replaces threonine 27 with asparagine.
Molecular consequence: missense variant.
Genome position (GRCh38, 1-based): chr19:40,403,810, G>T on the plus strand (C>A on the coding strand, the complement: PRX is on the minus strand). VCF-style: chr19-40403810-G-T. GRCh37 (hg19) VCF-style: chr19-40909717-G-T.
Other names: c.80C>A, p.Thr27Asn (NM_020956.2); short protein forms T27N.
Identifiers: ClinVar variation 547996 (VCV000547996.16), dbSNP rs1291881750, ClinGen allele CA405901901.

ClinVar aggregate classification (germline): Uncertain significance. Review status: criteria provided, multiple submitters, no conflicts (2 of 4 stars). 5 submissions from 5 submitters: Uncertain significance (5). Last evaluated 2025-12-18.

Conditions:
Dejerine-Sottas disease. Also called: HMSN Type III; Hereditary motor and sensory neuropathy 3; DEJERINE-SOTTAS NEUROPATHY; Charcot-Marie-Tooth disease type 3; HEREDITARY MOTOR AND SENSORY NEUROPATHY TYPE III. Identifiers: Orphanet 64748, MedGen C0011195, MONDO:0007790, OMIM 145900.
Charcot-Marie-Tooth disease type 4F. Also called: Charcot-Marie-Tooth disease, demyelinating, type 4F. Identifiers: Orphanet 99952, MedGen C3540453, MONDO:0013959, OMIM 614895.
Charcot-Marie-Tooth disease type 4. Also called: Charcot-Marie-Tooth disease, type IV; Charcot-Marie-Tooth, Type 4. Identifiers: Orphanet 64749, MedGen C4082197, MONDO:0018995.
PRX-related disorder. Also called: PRX-Related Disorders; PRX-related condition.

Allele frequency attached by ClinVar (database versions not stated): gnomAD exomes 0.00001 and 0.00005; TOPMed 0.00002; gnomAD 0.00003.
gnomAD v4.1: 79 of 1,608,958 alleles (0.0049%); highest among the groups gnomAD compares: Non-Finnish European, 0.0065%; no homozygotes.

Submissions (5):

PreventionGenetics, part of Exact Sciences
Classification: Uncertain significance for PRX-related condition. Last evaluated: 2025-12-18. Review status: criteria provided, single submitter. Criteria: ACMG Guidelines, 2015. Collection method: clinical testing. Allele origin: germline.
Comment: The PRX c.80C>A variant is predicted to result in the amino acid substitution p.Thr27Asn. To our knowledge, this variant has not been reported in the literature. This variant is reported in 0.0043% of alleles in individuals of African descent in gnomAD. At this time, the clinical significance of this variant is uncertain due to the absence of conclusive functional and genetic evidence.

Labcorp Genetics (formerly Invitae), Labcorp
Classification: Uncertain significance for Charcot-Marie-Tooth disease type 4. Last evaluated: 2022-11-28. Review status: criteria provided, single submitter. Criteria: Invitae Variant Classification Sherloc (09022015). Collection method: clinical testing. Allele origin: germline.
Comment: In summary, the available evidence is currently insufficient to determine the role of this variant in disease. Therefore, it has been classified as a Variant of Uncertain Significance. Algorithms developed to predict the effect of missense changes on protein structure and function are either unavailable or do not agree on the potential impact of this missense change (SIFT: "Deleterious"; PolyPhen-2: "Possibly Damaging"; Align-GVGD: "Class C0"). ClinVar contains an entry for this variant (Variation ID: 547996). This variant has not been reported in the literature in individuals affected with PRX-related conditions. This variant is present in population databases (no rsID available, gnomAD 0.004%). This sequence change replaces threonine, which is neutral and polar, with asparagine, which is neutral and polar, at codon 27 of the PRX protein (p.Thr27Asn).

GeneDx
Classification: Uncertain significance. Last evaluated: 2021-02-12. Review status: criteria provided, single submitter. Criteria: GeneDx Variant Classification Process June 2021. Collection method: clinical testing. Allele origin: germline. Affected: yes.
Comment: Not observed at a significant frequency in large population cohorts (Lek et al., 2016); In silico analysis supports that this missense variant has a deleterious effect on protein structure/function; Has not been previously published as pathogenic or benign to our knowledge

Illumina Laboratory Services, Illumina
Classification: Uncertain significance for Charcot-Marie-Tooth disease type 4F. Last evaluated: 2018-01-13. Review status: criteria provided, single submitter. Criteria: ICSL Variant Classification Criteria 13 December 2019. Collection method: clinical testing. Allele origin: germline.

Mayo Clinic Laboratories, Mayo Clinic
Classification: Uncertain significance for Charcot-Marie-Tooth disease type 4F; Dejerine-Sottas disease. Last evaluated: 2017-08-11. Review status: criteria provided, single submitter. Criteria: ACMG Guidelines, 2015. Collection method: clinical testing. Allele origin: paternal.